The following is an entry in ClinVar:

NM_052961.4(SLC26A8):c.1921C>T (p.Leu641=)

Gene: SLC26A8 (solute carrier family 26 member 8; minus strand). Cytogenetic location: 6p21.31.
Variant type: single nucleotide variant.
Coding change: c.1921C>T on transcript NM_052961.4 (MANE Select); coding-DNA position 1921, C replaced by T.
Protein change: p.Leu641=; no amino-acid change (leucine 641 retained).
Molecular consequence: synonymous variant.
Genome position (GRCh38, 1-based): chr6:35,955,463, G>A on the plus strand (C>T on the coding strand, the complement: SLC26A8 is on the minus strand). VCF-style: chr6-35955463-G-A. GRCh37 (hg19) VCF-style: chr6-35923240-G-A.
Other names: c.1606C>T, p.Leu536= (NM_138718.3); c.1921C>T, p.Leu641= (NM_001193476.2).
Identifiers: ClinVar variation 3771156 (VCV003771156.13).

ClinVar aggregate classification (germline): Likely benign (1 of 4 stars; one submission).

gnomAD v4.1: 79 of 1,614,040 alleles (0.0049%); highest among the groups gnomAD compares: Middle Eastern, 0.13%; no homozygotes.

Submission:

CeGaT Center for Human Genetics Tuebingen
Classification: Likely benign. Last evaluated: 2025-01-01. Review status: criteria provided, single submitter. Criteria: CeGaT Center For Human Genetics Tuebingen Variant Classification Criteria Version 2. Collection method: clinical testing. Allele origin: germline. Affected: yes. Observed: 1 variant allele.
Comment: SLC26A8: BP4, BP7